The following is an entry in ClinVar:

NM_006180.6(NTRK2):c.1974C>A (p.Gly658=)

Gene: NTRK2 (neurotrophic receptor tyrosine kinase 2; plus strand). Cytogenetic location: 9q21.33.
Variant type: single nucleotide variant.
Coding change: c.1974C>A on transcript NM_006180.6 (MANE Select); coding-DNA position 1974, C replaced by A.
Protein change: p.Gly658=; no amino-acid change (glycine 658 retained).
Molecular consequence: synonymous variant.
Genome position (GRCh38, 1-based): chr9:84,955,319, C>A. VCF-style: chr9-84955319-C-A. GRCh37 (hg19) VCF-style: chr9-87570234-C-A.
Other names: c.1926C>A, p.Gly642= (NM_001018064.3, NM_001369532.1, NM_001369533.1); c.1890C>A, p.Gly630= (NM_001369534.1); c.1458C>A, p.Gly486= (NM_001369535.1); c.1506C>A, p.Gly502= (NM_001369536.1).
Identifiers: ClinVar variation 792282 (VCV000792282.7), dbSNP rs745531290, ClinGen allele CA5105896.

ClinVar aggregate classification (germline): Likely benign. Review status: criteria provided, multiple submitters, no conflicts (2 of 4 stars). 2 submissions from 2 submitters: Likely benign (2). Last evaluated 2025-04-11.

Conditions:
NTRK2-related disorder. Also called: NTRK2-related condition.

Allele frequency attached by ClinVar (database versions not stated): ExAC 0.00001; gnomAD exomes 0.00001 and 0.00002.
gnomAD v4.1: 4 of 1,609,562 alleles (0.00025%); highest among the groups gnomAD compares: Admixed American, 0.0067%; no homozygotes.

Submissions (2):

PreventionGenetics, part of Exact Sciences
Classification: Likely benign for NTRK2-related condition. Last evaluated: 2025-04-11. Review status: criteria provided, single submitter. Criteria: ACMG Guidelines, 2015. Collection method: clinical testing. Allele origin: germline.
Comment: This variant is classified as likely benign based on ACMG/AMP sequence variant interpretation guidelines (Richards et al. 2015 PMID: 25741868, with internal and published modifications).

Labcorp Genetics (formerly Invitae), Labcorp
Classification: Likely benign. Last evaluated: 2024-10-20. Review status: criteria provided, single submitter. Criteria: Invitae Variant Classification Sherloc (09022015). Collection method: clinical testing. Allele origin: germline.